The following is an entry in ClinVar:

NM_013275.6(ANKRD11):c.6239C>G (p.Ala2080Gly)

Gene: ANKRD11 (ankyrin repeat domain containing 11; minus strand). Cytogenetic location: 16q24.3.
Variant type: single nucleotide variant.
Coding change: c.6239C>G on transcript NM_013275.6 (MANE Select); coding-DNA position 6239, C replaced by G.
Protein change: p.Ala2080Gly; replaces alanine 2080 with glycine.
Molecular consequence: missense variant.
Genome position (GRCh38, 1-based): chr16:89,280,303, G>C on the plus strand (C>G on the coding strand, the complement: ANKRD11 is on the minus strand). VCF-style: chr16-89280303-G-C. GRCh37 (hg19) VCF-style: chr16-89346711-G-C.
Other names: c.6239C>G, p.Ala2080Gly (NM_001256182.2, NM_001256183.2); short protein forms A2080G.
Identifiers: ClinVar variation 4278916 (VCV004278916.1).

ClinVar aggregate classification (germline): Uncertain significance (1 of 4 stars; one submission).

Submission:

GeneDx
Classification: Uncertain significance. Last evaluated: 2025-04-04. Review status: criteria provided, single submitter. Criteria: GeneDx Variant Classification Process June 2021. Collection method: clinical testing. Allele origin: germline. Affected: yes.
Comment: Not observed at significant frequency in large population cohorts (gnomAD); In silico analysis indicates that this missense variant does not alter protein structure/function; Has not been previously published as pathogenic or benign to our knowledge